The following is an entry in ClinVar:

NM_004629.2(FANCG):c.1352G>T (p.Trp451Leu)

Gene: FANCG (FA complementation group G; minus strand). Cytogenetic location: 9p13.3.
Variant type: single nucleotide variant.
Coding change: c.1352G>T on transcript NM_004629.2 (MANE Select); coding-DNA position 1352, G replaced by T.
Protein change: p.Trp451Leu; replaces tryptophan 451 with leucine.
Molecular consequence: missense variant.
Genome position (GRCh38, 1-based): chr9:35,075,546, C>A on the plus strand (G>T on the coding strand, the complement: FANCG is on the minus strand). VCF-style: chr9-35075546-C-A. GRCh37 (hg19) VCF-style: chr9-35075543-C-A.
Other names: short protein forms W451L.
Identifiers: ClinVar variation 4022560 (VCV004022560.1).
Genomic context (GRCh38, chr9:35,075,546, plus strand): 5'-ACTTTTTGGGCACCCAGTTGAACCCAGGCCTGGCCCTGAAGCAGGTGGGTGGCAGAGACC[C>A]AGAGTGGGCAGTATGGCAGTTCCTTGGTTCCTTTTCTGGCATCTTCCCACAGCCGGGACA-3'
Protein context (NP_004620.1, residues 441-461): GTKELPYCPL[Trp451Leu]VSATHLLQGQ

ClinVar aggregate classification (germline): Uncertain significance (1 of 4 stars; one submission).

Conditions:
Inborn genetic diseases. Identifiers: MedGen C0950123, MeSH D030342.

Submission:

Ambry Genetics
Classification: Uncertain significance for Inborn genetic diseases. Last evaluated: 2025-06-13. Review status: criteria provided, single submitter. Criteria: Ambry Variant Classification Scheme 2023. Collection method: clinical testing. Allele origin: germline.
Comment: The p.W451L variant (also known as c.1352G>T), located in coding exon 10 of the FANCG gene, results from a G to T substitution at nucleotide position 1352. The tryptophan at codon 451 is replaced by leucine, an amino acid with similar properties. This amino acid position is conserved. In addition, the in silico prediction for this alteration is inconclusive. Based on the available evidence, the clinical significance of this variant remains unclear.